The following is an entry in ClinVar:

NM_001243279.3(ACSF3):c.451G>T (p.Glu151Ter)

Gene: ACSF3 (acyl-CoA synthetase family member 3; plus strand). Cytogenetic location: 16q24.3.
Variant type: single nucleotide variant.
Coding change: c.451G>T on transcript NM_001243279.3 (MANE Select); coding-DNA position 451, G replaced by T.
Protein change: p.Glu151Ter; replaces glutamic acid 151 with a stop codon.
Molecular consequence: nonsense. On other transcripts: non-coding transcript variant (3), intron variant (1).
Genome position (GRCh38, 1-based): chr16:89,101,132, G>T. VCF-style: chr16-89101132-G-T. GRCh37 (hg19) VCF-style: chr16-89167540-G-T.
Other names: c.451G>T, p.Glu151Ter (NM_001127214.4, NM_174917.5); c.-129-1472G>T (NM_001284316.2); short protein forms E151*.
Identifiers: ClinVar variation 642668 (VCV000642668.13), dbSNP rs752338222, ClinGen allele CA8237660.

ClinVar aggregate classification (germline): Pathogenic/Likely pathogenic. Review status: criteria provided, multiple submitters, no conflicts (2 of 4 stars). 5 submissions from 5 submitters: Pathogenic (2); Likely pathogenic (3). Last evaluated 2026-04-03.

Conditions:
Combined malonic and methylmalonic acidemia. Identifiers: Orphanet 289504, MedGen C3280314, MONDO:0013661, OMIM 614265.

Allele frequency attached by ClinVar (database versions not stated): gnomAD 0.00001; gnomAD exomes 0.00002 and 0.00004; ExAC 0.00004.
gnomAD v4.1: 35 of 1,613,998 alleles (0.0022%); highest among the groups gnomAD compares: South Asian, 0.038%; 1 homozygote.

Submissions (5):

Women's Health and Genetics/Laboratory Corporation of America, LabCorp
Classification: Pathogenic for Combined malonic and methylmalonic acidemia. Last evaluated: 2026-04-03. Review status: criteria provided, single submitter. Criteria: LabCorp Variant Classification Summary - May 2015. Collection method: clinical testing. Allele origin: germline.
Comment: Variant summary: ACSF3 c.451G>T (p.Glu151X) results in a premature termination codon, predicted to cause a truncation of the encoded protein or absence of the protein due to nonsense mediated decay, which are commonly known mechanisms for disease. The variant allele was found at a frequency of 3.6e-05 in 250880 control chromosomes in the gnomAD database, including 1 homozygote. To our knowledge, no occurrence of c.451G>T in individuals affected with ACSF3-related conditions and no experimental evidence demonstrating its impact on protein function have been reported. ClinVar contains an entry for this variant (Variation ID: 642668). Based on the evidence outlined above, the variant was classified as pathogenic.

Labcorp Genetics (formerly Invitae), Labcorp
Classification: Pathogenic for Combined malonic and methylmalonic acidemia. Last evaluated: 2025-11-16. Review status: criteria provided, single submitter. Criteria: Invitae Variant Classification Sherloc (09022015). Collection method: clinical testing. Allele origin: germline.
Comment: This sequence change creates a premature translational stop signal (p.Glu151*) in the ACSF3 gene. It is expected to result in an absent or disrupted protein product. Loss-of-function variants in ACSF3 are known to be pathogenic (PMID: 21841779, 26827111). This variant is present in population databases (rs752338222, gnomAD 0.03%). This variant has not been reported in the literature in individuals affected with ACSF3-related conditions. ClinVar contains an entry for this variant (Variation ID: 642668). For these reasons, this variant has been classified as Pathogenic.

Natera, Inc.
Classification: Likely pathogenic for Combined malonic and methylmalonic aciduria. Last evaluated: 2025-11-06. Review status: criteria provided, single submitter. Criteria: Natera Variant Classification Schema (03/2026). Collection method: clinical testing. Allele origin: germline.
Comment: The c.451G>T variant in ACSF3 is a nonsense variant predicted to introduce a stop codon at amino acid 151. This variant is expected to result in nonsense mediated decay, truncation, or a dysfunctional protein product. This variant is rare in the general population with a frequency below the threshold expected for the associated phenotype(s). Given the available evidence, this variant is classified as Likely Pathogenic.

Baylor Genetics
Classification: Likely pathogenic for Combined malonic and methylmalonic acidemia. Last evaluated: 2024-03-23. Review status: criteria provided, single submitter. Criteria: ACMG Guidelines, 2015. Collection method: clinical testing. Allele origin: unknown.

Fulgent Genetics
Classification: Likely pathogenic for Combined malonic and methylmalonic acidemia. Last evaluated: 2024-03-14. Review status: criteria provided, single submitter. Criteria: ACMG Guidelines, 2015. Collection method: clinical testing. Allele origin: germline.

Literature cited by the submitters: PubMed 21841779 (cited by Labcorp Genetics (formerly Invitae), Labcorp); PubMed 26827111 (cited by Labcorp Genetics (formerly Invitae), Labcorp).